The following is an entry in ClinVar:

ClinVar aggregate classification (germline): Uncertain significance (1 of 4 stars; one submission).

Conditions:
Cardiovascular phenotype. Identifiers: MedGen CN230736.

gnomAD v4.1: 1 of 1,613,916 alleles (0.000062%); no homozygotes.

Submission:

Ambry Genetics
Classification: Uncertain significance for Cardiovascular phenotype. Last evaluated: 2026-05-28. Review status: criteria provided, single submitter. Criteria: Ambry Variant Classification Scheme 2023. Collection method: clinical testing. Allele origin: germline.
Comment: The p.I316V variant (also known as c.946A>G), located in coding exon 11 of the TXNRD2 gene, results from an A to G substitution at nucleotide position 946. The isoleucine at codon 316 is replaced by valine, an amino acid with highly similar properties. This amino acid position is conserved. In addition, this alteration is predicted to be tolerated by in silico analysis. Based on the available evidence, the clinical significance of this variant remains unclear.

NM_006440.5(TXNRD2):c.946A>G (p.Ile316Val)

Gene: TXNRD2 (thioredoxin reductase 2; minus strand). Cytogenetic location: 22q11.21.
Variant type: single nucleotide variant.
Coding change: c.946A>G on transcript NM_006440.5 (MANE Select); coding-DNA position 946, A replaced by G.
Protein change: p.Ile316Val; replaces isoleucine 316 with valine.
Molecular consequence: missense variant. On other transcripts: non-coding transcript variant (1).
Genome position (GRCh38, 1-based): chr22:19,895,410, T>C on the plus strand (A>G on the coding strand, the complement: TXNRD2 is on the minus strand). VCF-style: chr22-19895410-T-C. GRCh37 (hg19) VCF-style: chr22-19882933-T-C.
Other names: c.946A>G, p.Ile316Val (NM_001282512.3); c.943A>G, p.Ile315Val (NM_001352300.2); c.856A>G, p.Ile286Val (NM_001352301.2); c.658A>G, p.Ile220Val (NM_001352302.2); c.850A>G, p.Ile284Val (NM_001352303.2); short protein forms I220V, I284V, I286V, I315V, I316V.
Identifiers: ClinVar variation 4866280 (VCV004866280.1).